The following is an entry in ClinVar:

ClinVar aggregate classification (germline): Uncertain significance (1 of 4 stars; one submission).

Allele frequency attached by ClinVar (database versions not stated): gnomAD exomes below 0.00001 and 0.00001; ExAC 0.00001.

Submission:

Laboratory for Molecular Medicine, Mass General Brigham Personalized Medicine
Classification: Uncertain significance. Last evaluated: 2016-05-06. Review status: criteria provided, single submitter. Criteria: LMM Criteria. Collection method: clinical testing. Allele origin: germline. Observed: 1 variant allele.
Comment: The p.Lys104Thr variant in CASQ2 has not been previously reported in individuals with cardiomyopathy, but was identified in 1/11251 Latino chromosomes by the Ex ome Aggregation Consortium (ExAC; dbSNP rs781062 859). Computational prediction tools and conservation analysis suggest that the p.Lys104Thr variant may impact the protein, though this information is not predi ctive enough to determine pathogenicity. In summary, the clinical significance o f the p.Lys104Thr variant is uncertain.

NM_001232.4(CASQ2):c.311A>C (p.Lys104Thr)

Gene: CASQ2 (calsequestrin 2; minus strand). Cytogenetic location: 1p13.1.
Variant type: single nucleotide variant.
Coding change: c.311A>C on transcript NM_001232.4 (MANE Select); coding-DNA position 311, A replaced by C.
Protein change: p.Lys104Thr; replaces lysine 104 with threonine.
Molecular consequence: missense variant.
Genome position (GRCh38, 1-based): chr1:115,744,836, T>G on the plus strand (A>C on the coding strand, the complement: CASQ2 is on the minus strand). VCF-style: chr1-115744836-T-G. GRCh37 (hg19) VCF-style: chr1-116287457-T-G.
Other names: short protein forms K104T.
Identifiers: ClinVar variation 505013 (VCV000505013.4), dbSNP rs781062859, ClinGen allele CA1023957.